The following is an entry in ClinVar:

NM_001100913.3(PACS2):c.1202T>C (p.Phe401Ser)

Gene: PACS2 (phosphofurin acidic cluster sorting protein 2; plus strand). Cytogenetic location: 14q32.33.
Variant type: single nucleotide variant.
Coding change: c.1202T>C on transcript NM_001100913.3 (MANE Select); coding-DNA position 1202, T replaced by C.
Protein change: p.Phe401Ser; replaces phenylalanine 401 with serine.
Molecular consequence: missense variant.
Genome position (GRCh38, 1-based): chr14:105,381,033, T>C. VCF-style: chr14-105381033-T-C. GRCh37 (hg19) VCF-style: chr14-105847370-T-C.
Other names: c.977T>C, p.Phe326Ser (NM_001243127.3); c.1202T>C, p.Phe401Ser (NM_015197.4); short protein forms F326S, F401S.
Identifiers: ClinVar variation 4537777 (VCV004537777.1).

ClinVar aggregate classification (germline): Uncertain significance (1 of 4 stars; one submission).

Submission:

GeneDx
Classification: Uncertain significance. Last evaluated: 2025-06-12. Review status: criteria provided, single submitter. Criteria: GeneDx Variant Classification Process June 2021. Collection method: clinical testing. Allele origin: germline. Affected: yes.
Comment: Not observed at significant frequency in large population cohorts (gnomAD); In silico analysis suggests that this missense variant does not alter protein structure/function; Has not been previously published as pathogenic or benign to our knowledge